The following is an entry in ClinVar:

ClinVar aggregate classification (germline): Uncertain significance. Review status: criteria provided, multiple submitters, no conflicts (2 of 4 stars). 3 submissions from 3 submitters: Uncertain significance (3). Last evaluated 2024-10-11.

Conditions:
Inborn genetic diseases. Identifiers: MedGen C0950123, MeSH D030342.

Allele frequency attached by ClinVar (database versions not stated): TOPMed 0.00002.
gnomAD v4.1: 2 of 1,530,308 alleles (0.00013%); no homozygotes.

Submissions (3):

Ambry Genetics
Classification: Uncertain significance for Inborn genetic diseases. Last evaluated: 2024-10-11. Review status: criteria provided, single submitter. Criteria: Ambry Variant Classification Scheme 2023. Collection method: clinical testing. Allele origin: germline.

Blueprint Genetics
Classification: Uncertain significance. Last evaluated: 2024-02-09. Review status: criteria provided, single submitter. Criteria: ACMG Guidelines, 2015. Collection method: clinical testing. Allele origin: germline.

Labcorp Genetics (formerly Invitae), Labcorp
Classification: Uncertain significance. Last evaluated: 2022-07-25. Review status: criteria provided, single submitter. Criteria: Invitae Variant Classification Sherloc (09022015). Collection method: clinical testing. Allele origin: germline.
Comment: Algorithms developed to predict the effect of missense changes on protein structure and function (SIFT, PolyPhen-2, Align-GVGD) all suggest that this variant is likely to be tolerated. In summary, the available evidence is currently insufficient to determine the role of this variant in disease. Therefore, it has been classified as a Variant of Uncertain Significance. This sequence change replaces tryptophan, which is neutral and slightly polar, with cysteine, which is neutral and slightly polar, at codon 6 of the SLC25A4 protein (p.Trp6Cys). This variant is not present in population databases (gnomAD no frequency). This variant has not been reported in the literature in individuals affected with SLC25A4-related conditions. ClinVar contains an entry for this variant (Variation ID: 1411326).

NM_001151.4(SLC25A4):c.18G>T (p.Trp6Cys)

Gene: SLC25A4 (solute carrier family 25 member 4; plus strand). Cytogenetic location: 4q35.1.
Variant type: single nucleotide variant.
Coding change: c.18G>T on transcript NM_001151.4 (MANE Select); coding-DNA position 18, G replaced by T.
Protein change: p.Trp6Cys; replaces tryptophan 6 with cysteine.
Molecular consequence: missense variant.
Genome position (GRCh38, 1-based): chr4:185,143,390, G>T. VCF-style: chr4-185143390-G-T. GRCh37 (hg19) VCF-style: chr4-186064544-G-T.
Other names: c.18G>T (NM_001151.3); short protein forms W6C.
Identifiers: ClinVar variation 1411326 (VCV001411326.10), dbSNP rs1383623172, ClinGen allele CA358895685.
Genomic context (GRCh38, chr4:185,143,390, plus strand): 5'-CACGAACGGGCTGCCTGCGGGCTGAGAGCGTCGAGCTGTCACCATGGGTGATCACGCTTG[G>T]AGCTTCCTAAAGGACTTCCTGGCCGGGGGCGTCGCCGCTGCCGTCTCCAAGACCGCGGTC-3'
Protein context (NP_001142.2, residues 1-16): MGDHA[Trp6Cys]SFLKDFLAGG